The following is an entry in ClinVar:

NM_206933.4(USH2A):c.8558+5G>A

Gene: USH2A (usherin; minus strand). Cytogenetic location: 1q41.
Variant type: single nucleotide variant.
Coding change: c.8558+5G>A on transcript NM_206933.4 (MANE Select); 5 bases into the intron after coding-DNA position 8558, G replaced by A.
Molecular consequence: intron variant.
Genome position (GRCh38, 1-based): chr1:215,878,759, C>T on the plus strand (G>A on the coding strand, the complement: USH2A is on the minus strand). VCF-style: chr1-215878759-C-T. GRCh37 (hg19) VCF-style: chr1-216052101-C-T.
Identifiers: ClinVar variation 522476 (VCV000522476.6), dbSNP rs746331566, ClinGen allele CA1394587.

ClinVar aggregate classification (germline): Uncertain significance. Review status: criteria provided, single submitter (1 of 4 stars). 2 submissions from 2 submitters: Uncertain significance (1). 1 of the submissions does not count toward it. Last evaluated 2022-08-09.

Conditions:
Retinitis pigmentosa 39 (RP39). Identifiers: Orphanet 791, MedGen C3151138, MONDO:0013436, OMIM 613809.

Allele frequency attached by ClinVar (database versions not stated): gnomAD exomes below 0.00001; ExAC 0.00001.
gnomAD v4.1: 3 of 1,613,746 alleles (0.00019%); highest among the groups gnomAD compares: African/African-American, 0.0013%; no homozygotes.

Submissions (2):

Labcorp Genetics (formerly Invitae), Labcorp
Classification: Uncertain significance. Last evaluated: 2022-08-09. Review status: criteria provided, single submitter. Criteria: Invitae Variant Classification Sherloc (09022015). Collection method: clinical testing. Allele origin: germline.
Comment: This sequence change falls in intron 42 of the USH2A gene. It does not directly change the encoded amino acid sequence of the USH2A protein. It affects a nucleotide within the consensus splice site. This variant is present in population databases (rs746331566, gnomAD 0.0009%). This variant has not been reported in the literature in individuals affected with USH2A-related conditions. ClinVar contains an entry for this variant (Variation ID: 522476). Variants that disrupt the consensus splice site are a relatively common cause of aberrant splicing (PMID: 17576681, 9536098). Algorithms developed to predict the effect of sequence changes on RNA splicing suggest that this variant may disrupt the consensus splice site. In summary, the available evidence is currently insufficient to determine the role of this variant in disease. Therefore, it has been classified as a Variant of Uncertain Significance.

Bioscientia Institut fuer Medizinische Diagnostik GmbH, Sonic Healthcare
Classification: Likely pathogenic for Retinitis pigmentosa 39. Last evaluated: 2017-09-18. Review status: no assertion criteria provided. Collection method: clinical testing. Allele origin: germline. Affected: yes. Not counted in ClinVar's aggregate classification.

Literature cited by the submitters: PubMed 17576681 (cited by Labcorp Genetics (formerly Invitae), Labcorp); PubMed 9536098 (cited by Labcorp Genetics (formerly Invitae), Labcorp).